The following is an entry in ClinVar:

ClinVar aggregate classification (germline): Uncertain significance (1 of 4 stars; one submission).

Conditions:
Cohen syndrome (COH1). Also called: PEPPER SYNDROME; Cutis verticis gyrata, retinitis pigmentosa, and sensorineural deafness. Identifiers: Orphanet 193, MedGen C0265223, MONDO:0008999, OMIM 216550.

Allele frequency attached by ClinVar (database versions not stated): gnomAD exomes below 0.00001; ExAC 0.00001.
gnomAD v4.1: 1 of 1,614,114 alleles (0.000062%); highest among the groups gnomAD compares: Admixed American, 0.0017%; no homozygotes.

Submission:

Labcorp Genetics (formerly Invitae), Labcorp
Classification: Uncertain significance for Cohen syndrome. Last evaluated: 2025-05-05. Review status: criteria provided, single submitter. Criteria: Invitae Variant Classification Sherloc (09022015). Collection method: clinical testing. Allele origin: germline.
Comment: This sequence change replaces serine, which is neutral and polar, with leucine, which is neutral and non-polar, at codon 347 of the VPS13B protein (p.Ser347Leu). This variant is present in population databases (rs763016471, gnomAD no frequency). This variant has not been reported in the literature in individuals affected with VPS13B-related conditions. ClinVar contains an entry for this variant (Variation ID: 2080588). Invitae Evidence Modeling of protein sequence and biophysical properties (such as structural, functional, and spatial information, amino acid conservation, physicochemical variation, residue mobility, and thermodynamic stability) indicates that this missense variant is expected to disrupt VPS13B protein function with a positive predictive value of 80%. In summary, the available evidence is currently insufficient to determine the role of this variant in disease. Therefore, it has been classified as a Variant of Uncertain Significance.

NM_152564.5(VPS13B):c.1040C>T (p.Ser347Leu)

Gene: VPS13B (vacuolar protein sorting 13 homolog B; plus strand). Cytogenetic location: 8q22.2.
Variant type: single nucleotide variant.
Coding change: c.1040C>T on transcript NM_152564.5 (MANE Select); coding-DNA position 1040, C replaced by T.
Protein change: p.Ser347Leu; replaces serine 347 with leucine.
Molecular consequence: missense variant. On other transcripts: non-coding transcript variant (1).
Genome position (GRCh38, 1-based): chr8:99,121,279, C>T. VCF-style: chr8-99121279-C-T. GRCh37 (hg19) VCF-style: chr8-100133507-C-T.
Other names: c.1040C>T, p.Ser347Leu (NM_015243.3, NM_017890.5, NM_181661.3); short protein forms S347L.
Identifiers: ClinVar variation 2080588 (VCV002080588.4), dbSNP rs763016471, ClinGen allele CA4822533.